The following is an entry in ClinVar:

ClinVar aggregate classification (germline): Uncertain significance. Review status: criteria provided, multiple submitters, no conflicts (2 of 4 stars). 4 submissions from 4 submitters: Uncertain significance (4). Last evaluated 2026-01-08.

Conditions:
Brugada syndrome 4 (BRGDA4). Identifiers: Orphanet 130, MedGen C2678477, MONDO:0012743, OMIM 611876.
Cardiovascular phenotype. Identifiers: MedGen CN230736.
CACNB2-related disorder. Also called: CACNB2-related condition.
Hypertrophic cardiomyopathy. Also called: HYPERTROPHIC MYOCARDIOPATHY. Identifiers: Orphanet 217569, MedGen C0007194, MeSH D002312, MONDO:0005045, HP:0001639.

Allele frequency attached by ClinVar (database versions not stated): ExAC 0.00001.
gnomAD v4.1: 96 of 1,613,998 alleles (0.0059%); highest among the groups gnomAD compares: Non-Finnish European, 0.0075%; no homozygotes.

Submissions (4):

Labcorp Genetics (formerly Invitae), Labcorp
Classification: Uncertain significance for Brugada syndrome 4. Last evaluated: 2026-01-08. Review status: criteria provided, single submitter. Criteria: Invitae Variant Classification Sherloc (09022015). Collection method: clinical testing. Allele origin: germline.
Comment: This sequence change replaces proline, which is neutral and non-polar, with alanine, which is neutral and non-polar, at codon 9 of the CACNB2 protein (p.Pro9Ala). This variant is present in population databases (rs761564584, gnomAD 0.006%). This variant has not been reported in the literature in individuals affected with CACNB2-related conditions. ClinVar contains an entry for this variant (Variation ID: 1793643). An algorithm developed to predict the effect of missense changes on protein structure and function (PolyPhen-2) suggests that this variant is likely to be disruptive. In summary, the available evidence is currently insufficient to determine the role of this variant in disease. Therefore, it has been classified as a Variant of Uncertain Significance.

PreventionGenetics, part of Exact Sciences
Classification: Uncertain significance for CACNB2-related condition. Last evaluated: 2025-11-26. Review status: criteria provided, single submitter. Criteria: ACMG Guidelines, 2015. Collection method: clinical testing. Allele origin: germline.
Comment: The CACNB2 c.25C>G variant is predicted to result in the amino acid substitution p.Pro9Ala. To our knowledge, this variant has not been reported in the literature. This variant is reported in 0.0062% of alleles in individuals of European (Non-Finnish) descent in gnomAD. At this time, the clinical significance of this variant is uncertain due to the absence of conclusive functional and genetic evidence.

Ambry Genetics
Classification: Uncertain significance for Cardiovascular phenotype. Last evaluated: 2025-10-21. Review status: criteria provided, single submitter. Criteria: Ambry Variant Classification Scheme 2023. Collection method: clinical testing. Allele origin: germline.

Department of Pathology and Laboratory Medicine, Sinai Health System
Classification: Uncertain significance for hypertrophic cardiomyopathy. Last evaluated: 2022-08-05. Review status: criteria provided, single submitter. Criteria: ACMG Guidelines, 2015. Collection method: research. Allele origin: germline.

NM_201590.3(CACNB2):c.25C>G (p.Pro9Ala)

Gene: CACNB2 (calcium voltage-gated channel auxiliary subunit beta 2; plus strand). Cytogenetic location: 10p12.32.
Variant type: single nucleotide variant.
Coding change: c.25C>G on transcript NM_201590.3 (MANE Plus Clinical); coding-DNA position 25, C replaced by G.
Protein change: p.Pro9Ala; replaces proline 9 with alanine.
Molecular consequence: missense variant. On other transcripts: intron variant (8).
Genome position (GRCh38, 1-based): chr10:18,340,951, C>G. VCF-style: chr10-18340951-C-G. GRCh37 (hg19) VCF-style: chr10-18629880-C-G.
Other names: c.130-60973C>G (NM_201571.4, NM_001167945.2, NM_201572.4); c.214-60973C>G (NM_201596.3, NM_201593.3, NM_201597.3); c.49-60973C>G (NM_000724.4, NM_001330060.2); short protein forms P9A.
Identifiers: ClinVar variation 1793643 (VCV001793643.9), dbSNP rs761564584, ClinGen allele CA5429493.